The following is an entry in ClinVar:

ClinVar aggregate classification (germline): Uncertain significance. Review status: criteria provided, multiple submitters, no conflicts (2 of 4 stars). 2 submissions from 2 submitters: Uncertain significance (2). Last evaluated 2025-05-19.

Conditions:
Cardiovascular phenotype. Identifiers: MedGen CN230736.
Long QT syndrome (LQTS). Identifiers: MedGen C0023976, MeSH D008133, MONDO:0002442. Disease mechanism: loss of function. Inheritance: Various modes of inheritance.

Allele frequency attached by ClinVar (database versions not stated): gnomAD exomes below 0.00001.
gnomAD v4.1: 2 of 1,613,496 alleles (0.00012%); highest among the groups gnomAD compares: East Asian, 0.0022%; no homozygotes.

Submissions (2):

Ambry Genetics
Classification: Uncertain significance for Cardiovascular phenotype. Last evaluated: 2025-05-19. Review status: criteria provided, single submitter. Criteria: Ambry Variant Classification Scheme 2023. Collection method: clinical testing. Allele origin: germline.

Labcorp Genetics (formerly Invitae), Labcorp
Classification: Uncertain significance for Long QT syndrome. Last evaluated: 2024-05-09. Review status: criteria provided, single submitter. Criteria: Invitae Variant Classification Sherloc (09022015). Collection method: clinical testing. Allele origin: germline.
Comment: This sequence change replaces arginine, which is basic and polar, with glycine, which is neutral and non-polar, at codon 1029 of the AKAP9 protein (p.Arg1029Gly). This variant is present in population databases (no rsID available, gnomAD 0.006%). This variant has not been reported in the literature in individuals affected with AKAP9-related conditions. Algorithms developed to predict the effect of missense changes on protein structure and function output the following: SIFT: "Not Available"; PolyPhen-2: "Benign"; Align-GVGD: "Not Available". The glycine amino acid residue is found in multiple mammalian species, which suggests that this missense change does not adversely affect protein function. In summary, the available evidence is currently insufficient to determine the role of this variant in disease. Therefore, it has been classified as a Variant of Uncertain Significance.

NM_005751.5(AKAP9):c.3085A>G (p.Arg1029Gly)

Gene: AKAP9 (A-kinase anchoring protein 9; plus strand). Cytogenetic location: 7q21.2.
Variant type: single nucleotide variant.
Coding change: c.3085A>G on transcript NM_005751.5 (MANE Select); coding-DNA position 3085, A replaced by G.
Protein change: p.Arg1029Gly; replaces arginine 1029 with glycine.
Molecular consequence: missense variant.
Genome position (GRCh38, 1-based): chr7:92,003,002, A>G. VCF-style: chr7-92003002-A-G. GRCh37 (hg19) VCF-style: chr7-91632316-A-G.
Other names: c.3085A>G, p.Arg1029Gly (NM_147185.3); short protein forms R1029G.
Identifiers: ClinVar variation 2696032 (VCV002696032.5), dbSNP rs1370987227, ClinGen allele CA368125603.